The following is an entry in ClinVar:

ClinVar aggregate classification (germline): Pathogenic. Review status: reviewed by expert panel (3 of 4 stars). 5 submissions from 5 submitters: Pathogenic (1). 4 of the submissions do not count toward it. Last evaluated 2016-09-08.

Conditions:
Breast and/or ovarian cancer. Identifiers: MedGen CN221562.
Hereditary cancer-predisposing syndrome. Also called: Hereditary Cancer Syndrome; Hereditary neoplastic syndrome; Neoplastic Syndromes, Hereditary; Tumor predisposition. Identifiers: Orphanet 140162, MedGen C0027672, MeSH D009386, MONDO:0015356.
Breast-ovarian cancer, familial, susceptibility to, 1 (BROVCA1). Also called: BRCA1 Hereditary Breast and Ovarian Cancer; OVARIAN CANCER, SUSCEPTIBILITY TO. Identifiers: Orphanet 145, MedGen C2676676, MONDO:0011450, OMIM 604370. Disease mechanism: loss of function.

Submissions (5):

Evidence-based Network for the Interpretation of Germline Mutant Alleles (ENIGMA)
Classification: Pathogenic for Breast-ovarian cancer, familial, susceptibility to, 1. Last evaluated: 2016-09-08. Review status: reviewed by expert panel. Criteria: ENIGMA BRCA1/2 Classification Criteria (2015). Collection method: curation. Allele origin: germline.
Comment: Variant allele predicted to encode a truncated non-functional protein.

Ambry Genetics
Classification: Pathogenic for Hereditary cancer-predisposing syndrome. Last evaluated: 2024-11-09. Review status: criteria provided, single submitter. Criteria: Ambry Variant Classification Scheme 2023. Collection method: clinical testing. Allele origin: germline. Not counted in ClinVar's aggregate classification.
Comment: The p.L1351* pathogenic mutation (also known as c.4052T>A), located in coding exon 9 of the BRCA1 gene, results from a T to A substitution at nucleotide position 4052. This changes the amino acid from a leucine to a stop codon within coding exon 9. This alteration was identified in an individual diagnosed with breast and/or ovarian cancer (Machackova E et al. BMC Cancer, 2008 May;8:140). This variant is considered to be rare based on population cohorts in the Genome Aggregation Database (gnomAD). This alteration is expected to result in loss of function by premature protein truncation or nonsense-mediated mRNA decay. As such, this alteration is interpreted as a disease-causing mutation.

Consortium of Investigators of Modifiers of BRCA1/2 (CIMBA), c/o University of Cambridge
Classification: Pathogenic for Breast-ovarian cancer, familial, susceptibility to, 1. Last evaluated: 2015-10-02. Review status: criteria provided, single submitter. Criteria: CIMBA Mutation Classification guidelines May 2016. Collection method: clinical testing. Allele origin: germline. Not counted in ClinVar's aggregate classification.

CZECANCA consortium
Classification: Pathogenic for Breast and/or ovarian cancer. Last evaluated: 2019-06-11. Review status: no assertion criteria provided. Collection method: clinical testing. Allele origin: germline. Affected: yes. Observed: 1 variant allele. Not counted in ClinVar's aggregate classification.

Sharing Clinical Reports Project (SCRP)
Classification: Pathogenic for Breast-ovarian cancer, familial 1. Last evaluated: 2012-05-10. Review status: no assertion criteria provided. Collection method: clinical testing. Allele origin: germline. Not counted in ClinVar's aggregate classification.

Literature cited by the submitters: PubMed 18489799 (cited by Ambry Genetics); PubMed 32295079 (cited by CZECANCA consortium).

NM_007294.4(BRCA1):c.4052T>A (p.Leu1351Ter)

Genes: BRCA1 (BRCA1 DNA repair associated; minus strand), LOC126862571 (BRD4-independent group 4 enhancer GRCh37_chr17:41243136-41244335; plus strand). Cytogenetic location: 17q21.31.
Variant type: single nucleotide variant.
Coding change: c.4052T>A on transcript NM_007294.4 (MANE Select); coding-DNA position 4052, T replaced by A.
Protein change: p.Leu1351Ter; replaces leucine 1351 with a stop codon.
Molecular consequence: nonsense. On other transcripts: intron variant (135).
Genome position (GRCh38, 1-based): chr17:43,091,479, A>T on the plus strand (T>A on the coding strand, the complement: BRCA1 is on the minus strand). VCF-style: chr17-43091479-A-T. GRCh37 (hg19) VCF-style: chr17-41243496-A-T.
Other names: 4171T>A; c.3842T>A, p.Leu1281Ter (NM_001407907.1, NM_001407908.1, NM_001407909.1 and 13 more transcripts); c.3839T>A, p.Leu1280Ter (NM_001407915.1, NM_001407916.1, NM_001407917.1 and 9 more transcripts); c.3929T>A, p.Leu1310Ter (NM_001407919.1, NM_001407937.1, NM_001407938.1 and 19 more transcripts); c.3788T>A, p.Leu1263Ter (NM_001407920.1, NM_001407921.1, NM_001407922.1 and 9 more transcripts); c.3785T>A, p.Leu1262Ter (NM_001407930.1, NM_001407931.1, NM_001407932.1 and 2 more transcripts); c.3926T>A, p.Leu1309Ter (NM_001407940.1, NM_001407941.1, NM_001407649.1 and 11 more transcripts); c.3911T>A, p.Leu1304Ter (NM_001407942.1, NM_001407944.1, NM_001407945.1 and 29 more transcripts); and 42 more; short protein forms L1351*, L1304*, L1240*, L1280*, L1283*, L1309*, L1310*, L1055*.
Identifiers: ClinVar variation 55087 (VCV000055087.7), dbSNP rs397509132, ClinGen allele CA002587.